The following is an entry in ClinVar:

ClinVar aggregate classification (germline): Pathogenic (1 of 4 stars; one submission).

Submission:

Labcorp Genetics (formerly Invitae), Labcorp
Classification: Pathogenic. Last evaluated: 2023-05-16. Review status: criteria provided, single submitter. Criteria: Invitae Variant Classification Sherloc (09022015). Collection method: clinical testing. Allele origin: germline.
Comment: This premature translational stop signal has been observed in individual(s) with Knobloch syndrome (PMID: 34680907). The frequency data for this variant in the population databases is considered unreliable, as metrics indicate poor data quality at this position in the gnomAD database. This sequence change creates a premature translational stop signal (p.Val1091Argfs*27) in the COL18A1 gene. It is expected to result in an absent or disrupted protein product. Loss-of-function variants in COL18A1 are known to be pathogenic (PMID: 12415512, 25456301). This variant is also known as c.3810dup (p.Val1271Argfs*27). ClinVar contains an entry for this variant (Variation ID: 2009946). For these reasons, this variant has been classified as Pathogenic.

Literature cited by the submitters: PubMed 34680907; PubMed 12415512; PubMed 25456301.

NM_001379500.1(COL18A1):c.3279dup (p.Val1094fs)

Genes: COL18A1 (collagen type XVIII alpha 1 chain; plus strand), SLC19A1 (solute carrier family 19 member 1; minus strand). Cytogenetic location: 21q22.3.
Variant type: Duplication.
Coding change: c.3279dup on transcript NM_001379500.1 (MANE Select); coding-DNA position 3279, one base duplicated (C; older notation c.3279dupC).
Protein change: p.Val1094fs; shifts the reading frame from valine 1094.
Molecular consequence: frameshift variant.
Genome position (GRCh38, 1-based): chr21:45,509,385, C duplicated; the last of 6 consecutive C bases (chr21:45,509,380-45,509,385); duplicating any one gives the same sequence. VCF-style (leftmost placement, unchanged base first): chr21-45509379-G-GC. GRCh37 (hg19) VCF-style: chr21-46929293-G-GC.
Other names: c.3810dup, p.Val1271fs (NM_030582.4); c.4515dup, p.Val1506fs (NM_130444.3); short protein forms V1271fs, V1506fs, V1094fs.
Identifiers: ClinVar variation 2009946 (VCV002009946.4), dbSNP rs1344008575, ClinGen allele CA638170130.